The following is an entry in ClinVar:

ClinVar aggregate classification (germline): Uncertain significance (1 of 4 stars; one submission).

Conditions:
Familial hemophagocytic lymphohistiocytosis 5. Also called: STXBP2-Related Familial Hemophagocytic Lymphohistiocytosis (STXBP2-fHLH). Identifiers: Orphanet 540, MedGen C2751293, MONDO:0013135, OMIM 613101.

gnomAD v4.1: 17 of 1,613,820 alleles (0.0011%); highest among the groups gnomAD compares: East Asian, 0.036%; no homozygotes.

Submission:

Labcorp Genetics (formerly Invitae), Labcorp
Classification: Uncertain significance for Familial hemophagocytic lymphohistiocytosis 5. Last evaluated: 2025-07-14. Review status: criteria provided, single submitter. Criteria: Invitae Variant Classification Sherloc (09022015). Collection method: clinical testing. Allele origin: germline.
Comment: This sequence change falls in intron 6 of the STXBP2 gene. It does not directly change the encoded amino acid sequence of the STXBP2 protein. It affects a nucleotide within the consensus splice site. This variant is present in population databases (rs778509701, gnomAD 0.1%). This variant has not been reported in the literature in individuals affected with STXBP2-related conditions. Variants that disrupt the consensus splice site are a relatively common cause of aberrant splicing (PMID: 17576681, 9536098). Algorithms developed to predict the effect of sequence changes on RNA splicing suggest that this variant is not likely to affect RNA splicing. In summary, the available evidence is currently insufficient to determine the role of this variant in disease. Therefore, it has been classified as a Variant of Uncertain Significance.

Literature cited by the submitters: PubMed 17576681; PubMed 9536098.

NM_006949.4(STXBP2):c.429+5G>T

Gene: STXBP2 (syntaxin binding protein 2; plus strand). Cytogenetic location: 19p13.2.
Variant type: single nucleotide variant.
Coding change: c.429+5G>T on transcript NM_006949.4 (MANE Select); 5 bases into the intron after coding-DNA position 429, G replaced by T.
Molecular consequence: intron variant.
Genome position (GRCh38, 1-based): chr19:7,641,008, G>T. VCF-style: chr19-7641008-G-T. GRCh37 (hg19) VCF-style: chr19-7705894-G-T.
Other names: c.333+5G>T (NM_001414484.1); c.462+5G>T (NM_001272034.2); c.420+5G>T (NM_001127396.3).
Identifiers: ClinVar variation 4708169 (VCV004708169.1).
Genomic context (GRCh38, chr19:7,641,008, plus strand): 5'-AGGTGGTGAAGACGTTGAAGGAGATTCACCTTGCCTTCCTCCCCTACGAGGCCCAGGTAC[G>T]GCCCGGGCTCATCCTGGGCAGGGGGTGGGGGTTTGTGACCAAATGTCCCCTGTTCCCTCA-3'